The following is an entry in ClinVar:

NM_014855.3(AP5Z1):c.2253_2349dup (p.Asn784delinsHisArgAlaAlaAspProAlaGluAspAlaTer)

Gene: AP5Z1 (adaptor related protein complex 5 subunit zeta 1; plus strand). Cytogenetic location: 7p22.1.
Variant type: Duplication.
Coding change: c.2253_2349dup on transcript NM_014855.3 (MANE Select); coding-DNA positions 2253 to 2349, 97 bases duplicated.
Protein change: p.Asn784delinsHisArgAlaAlaAspProAlaGluAspAlaTer.
Molecular consequence: nonsense. On other transcripts: non-coding transcript variant (1).
Genome position (GRCh38, 1-based): chr7:4,791,214-4,791,310, 97 bases duplicated. GRCh37 (hg19): chr7:4,830,845-4,830,941.
Other names: c.1785_1881dup, p.Asn628delinsHisArgAlaAlaAspProAlaGluAspAlaTer (NM_001364858.1).
Identifiers: ClinVar variation 4850332 (VCV004850332.1).

ClinVar aggregate classification (germline): Likely pathogenic (1 of 4 stars; one submission).

Conditions:
Hereditary spastic paraplegia 48. Also called: SPASTIC PARAPLEGIA 48, AUTOSOMAL RECESSIVE; Spastic paraplegia 48. Identifiers: Orphanet 306511, MedGen C3150901, MONDO:0013342, OMIM 613647.

Submission:

First Genomix Gene Laboratory, Genetic Diagnostics Department
Classification: Likely pathogenic for Hereditary spastic paraplegia 48. Last evaluated: 2025-09-18. Review status: criteria provided, single submitter. Criteria: ACMG Guidelines, 2015. Collection method: clinical testing. Allele origin: germline. Inheritance: Autosomal recessive inheritance. Affected: no. Observed: 1 variant allele.